The following is an entry in ClinVar:

NM_005085.4(NUP214):c.302G>C (p.Ser101Thr)

Gene: NUP214 (nucleoporin 214; plus strand). Cytogenetic location: 9q34.13.
Variant type: single nucleotide variant.
Coding change: c.302G>C on transcript NM_005085.4 (MANE Select); coding-DNA position 302, G replaced by C.
Protein change: p.Ser101Thr; replaces serine 101 with threonine.
Molecular consequence: missense variant.
Genome position (GRCh38, 1-based): chr9:131,128,392, G>C. VCF-style: chr9-131128392-G-C. GRCh37 (hg19) VCF-style: chr9-134003779-G-C.
Other names: c.302G>C (NM_005085.2); c.302G>C, p.Ser101Thr (NM_001318324.2); short protein forms S101T.
Identifiers: ClinVar variation 1417196 (VCV001417196.8), dbSNP rs1281716429, ClinGen allele CA375274699.
Genomic context (GRCh38, chr9:131,128,392, plus strand): 5'-TTGATAAAGTCCAAGGCTTGCTAGTTCCTATGAAATTCCCAATCCATCACCTGGCCTTGA[G>C]CTGTGATAACCTCACACTCTCTGCGTGCATGATGTCCAGTGAATATGGTTCCATTATTGC-3'
Protein context (NP_005076.3, residues 91-111): MKFPIHHLAL[Ser101Thr]CDNLTLSACM

ClinVar aggregate classification (germline): Uncertain significance. Review status: criteria provided, multiple submitters, no conflicts (2 of 4 stars). 2 submissions from 2 submitters: Uncertain significance (2). Last evaluated 2025-04-11.

Allele frequency attached by ClinVar (database versions not stated): gnomAD exomes below 0.00001; gnomAD 0.00001; TOPMed 0.00001.
gnomAD v4.1: 3 of 1,613,506 alleles (0.00019%); highest among the groups gnomAD compares: Admixed American, 0.0017%; no homozygotes.

Submissions (2):

Ambry Genetics
Classification: Uncertain significance. Last evaluated: 2025-04-11. Review status: criteria provided, single submitter. Criteria: Ambry Variant Classification Scheme 2023. Collection method: clinical testing. Allele origin: germline.

Labcorp Genetics (formerly Invitae), Labcorp
Classification: Uncertain significance. Last evaluated: 2021-03-27. Review status: criteria provided, single submitter. Criteria: Invitae Variant Classification Sherloc (09022015). Collection method: clinical testing. Allele origin: germline.
Comment: In summary, the available evidence is currently insufficient to determine the role of this variant in disease. Therefore, it has been classified as a Variant of Uncertain Significance. Algorithms developed to predict the effect of missense changes on protein structure and function are either unavailable or do not agree on the potential impact of this missense change (SIFT: "Deleterious"; PolyPhen-2: "Not Available"; Align-GVGD: "Class C55"). This variant has not been reported in the literature in individuals with NUP214-related conditions. This variant is not present in population databases (ExAC no frequency). This sequence change replaces serine with threonine at codon 101 of the NUP214 protein (p.Ser101Thr). The serine residue is highly conserved and there is a small physicochemical difference between serine and threonine.